The following is an entry in ClinVar:

ClinVar aggregate classification (germline): Uncertain significance. Review status: criteria provided, single submitter (1 of 4 stars). 2 submissions from 2 submitters: Uncertain significance (1). 1 of the submissions does not count toward it. Last evaluated 2026-04-22.

gnomAD v4.1: 1 of 1,614,142 alleles (0.000062%); highest among the groups gnomAD compares: Non-Finnish European, 0.000085%; no homozygotes.

Submissions (2):

GeneDx
Classification: Uncertain significance. Last evaluated: 2026-04-22. Review status: criteria provided, single submitter. Criteria: GeneDx Variant Classification Process June 2021. Collection method: clinical testing. Allele origin: germline.
Comment: Not observed at significant frequency in large population cohorts (gnomAD); In silico analysis suggests that this missense variant does not alter protein structure/function; Has not been previously published as pathogenic or benign to our knowledge

Human Genome and Stem Cell Research Center, Department of Genetics and Evolutionary Biology, Institute of Biosciences, University of São Paulo
Classification: Uncertain significance. Last evaluated: 2023-02-08. Review status: no assertion criteria provided. Collection method: research. Allele origin: de novo. Affected: no. Not counted in ClinVar's aggregate classification.

NM_001366145.2(TRPM3):c.3541G>A (p.Glu1181Lys)

Gene: TRPM3 (transient receptor potential cation channel subfamily M member 3; minus strand). Cytogenetic location: 9q21.12.
Variant type: single nucleotide variant.
Coding change: c.3541G>A on transcript NM_001366145.2 (MANE Select); coding-DNA position 3541, G replaced by A.
Protein change: p.Glu1181Lys; replaces glutamic acid 1181 with lysine.
Molecular consequence: missense variant.
Genome position (GRCh38, 1-based): chr9:70,552,877, C>T on the plus strand (G>A on the coding strand, the complement: TRPM3 is on the minus strand). VCF-style: chr9-70552877-C-T. GRCh37 (hg19) VCF-style: chr9-73167793-C-T.
Other names: c.3505G>A, p.Glu1169Lys (NM_001007471.4, NM_001366151.2); c.3511G>A, p.Glu1171Lys (NM_001366141.2, NM_001366143.2, NM_001366149.2); c.3547G>A, p.Glu1183Lys (NM_001366142.2); c.3541G>A, p.Glu1181Lys (NM_001366146.2); c.3616G>A, p.Glu1206Lys (NM_001366147.2, NM_001366152.2); c.3586G>A, p.Glu1196Lys (NM_001366148.2); c.3475G>A, p.Glu1159Lys (NM_001366150.2); c.3082G>A, p.Glu1028Lys (NM_001366154.2, NM_024971.7); and 6 more; short protein forms E1006K, E1016K, E1018K, E1028K, E1031K, E1041K, E1159K, E1169K.
Identifiers: ClinVar variation 2497710 (VCV002497710.2), dbSNP rs377602208, ClinGen allele CA373553558.
Genomic context (GRCh38, chr9:70,552,877, plus strand): 5'-GCAGCTCGGCTGTCGCTTGAAGCTTACTCAGGCCGTAGTCCCTTTCATCCGGGTCGCTCT[C>T]GTGTTTCCTCCATCGGCAGCACAGGTGCTGGAATATCATGGTCATGTGGCTGAAGATGAT-3'
Protein context (NP_001353074.1, residues 1171-1191): QHLCCRWRKH[Glu1181Lys]SDPDERDYGL